The following is an entry in ClinVar:

ClinVar aggregate classification (germline): Uncertain significance (1 of 4 stars; one submission).

gnomAD v4.1: 11 of 1,613,916 alleles (0.00068%); highest among the groups gnomAD compares: African/African-American, 0.015%; no homozygotes.

Submission:

Labcorp Genetics (formerly Invitae), Labcorp
Classification: Uncertain significance. Last evaluated: 2025-01-17. Review status: criteria provided, single submitter. Criteria: Invitae Variant Classification Sherloc (09022015). Collection method: clinical testing. Allele origin: germline.
Comment: This sequence change replaces serine, which is neutral and polar, with arginine, which is basic and polar, at codon 125 of the EMC1 protein (p.Ser125Arg). This variant is present in population databases (no rsID available, gnomAD 0.01%). This variant has not been reported in the literature in individuals affected with EMC1-related conditions. ClinVar contains an entry for this variant (Variation ID: 1474109). Invitae Evidence Modeling of protein sequence and biophysical properties (such as structural, functional, and spatial information, amino acid conservation, physicochemical variation, residue mobility, and thermodynamic stability) indicates that this missense variant is not expected to disrupt EMC1 protein function with a negative predictive value of 80%. In summary, the available evidence is currently insufficient to determine the role of this variant in disease. Therefore, it has been classified as a Variant of Uncertain Significance.

NM_015047.3(EMC1):c.373A>C (p.Ser125Arg)

Gene: EMC1 (ER membrane protein complex subunit 1; minus strand). Cytogenetic location: 1p36.13.
Variant type: single nucleotide variant.
Coding change: c.373A>C on transcript NM_015047.3 (MANE Select); coding-DNA position 373, A replaced by C.
Protein change: p.Ser125Arg; replaces serine 125 with arginine.
Molecular consequence: missense variant.
Genome position (GRCh38, 1-based): chr1:19,243,621, T>G on the plus strand (A>C on the coding strand, the complement: EMC1 is on the minus strand). VCF-style: chr1-19243621-T-G. GRCh37 (hg19) VCF-style: chr1-19570115-T-G.
Other names: c.373A>C, p.Ser125Arg (NM_001271427.2, NM_001271428.2, NM_001375820.1 and 1 more transcripts); c.307A>C, p.Ser103Arg (NM_001271429.2); short protein forms S103R, S125R.
Identifiers: ClinVar variation 1474109 (VCV001474109.8), dbSNP rs142586837, ClinGen allele CA338771638.